The following is an entry in ClinVar:

ClinVar aggregate classification (germline): Conflicting classifications of pathogenicity. Review status: criteria provided, conflicting classifications (1 of 4 stars). 16 submissions from 12 submitters: Uncertain significance (6); Benign (4); Likely benign (5). 1 of the submissions does not count toward it. Last evaluated 2026-02-01.

Conditions:
Cardiovascular phenotype. Identifiers: MedGen CN230736.
Dilated cardiomyopathy 1G (CMD1G). Identifiers: Orphanet 154, MedGen C1858763, MONDO:0011400, OMIM 604145.
Autosomal recessive limb-girdle muscular dystrophy type 2J (LGMDR10). Also called: Limb-girdle muscular dystrophy, type 2J; MUSCULAR DYSTROPHY, LIMB-GIRDLE, AUTOSOMAL RECESSIVE 10. Identifiers: Orphanet 140922, MedGen C1837342, MONDO:0012127, OMIM 608807.
Cardiomyopathy (CMYO). Also called: Cardiomyopathies. Identifiers: Orphanet 167848, MedGen C0878544, MONDO:0004994, HP:0001638. Inheritance: Various modes of inheritance.
Early-onset myopathy with fatal cardiomyopathy (CMYO5). Also called: Salih Myopathy; CONGENITAL MYOPATHY 5 WITH CARDIOMYOPATHY. Identifiers: Orphanet 289377, MedGen C2673677, MONDO:0012714, OMIM 611705. Disease mechanism: loss of function.
Myopathy, myofibrillar, 9, with early respiratory failure (MFM9). Also called: Hereditary myopathy with early respiratory failure; Myopathy, distal, with early respiratory failure, autosomal dominant; EDSTROM MYOPATHY; MYOPATHY, PROXIMAL, WITH EARLY RESPIRATORY MUSCLE INVOLVEMENT. Identifiers: Orphanet 178464, Orphanet 34521, MedGen C1863599, MONDO:0011362, OMIM 603689.
Tibial muscular dystrophy (TMD). Also called: Udd Distal Myopathy – Tibial Muscular Dystrophy; Tibial muscular dystrophy, tardive; UDD MYOPATHY. Identifiers: Orphanet 609, MedGen C1838244, MONDO:0010870, OMIM 600334.

Allele frequency attached by ClinVar (database versions not stated): gnomAD exomes 0.00029 and 0.00054; ESP Exome Variant Server 0.00041; ExAC 0.00042; TOPMed 0.00048; gnomAD 0.00054.
gnomAD v4.1: 539 of 1,613,546 alleles (0.033%); highest among the groups gnomAD compares: Middle Eastern, 0.12%; 3 homozygotes.

Submissions (16):

CeGaT Center for Human Genetics Tuebingen
Classification: Benign. Last evaluated: 2026-02-01. Review status: criteria provided, single submitter. Criteria: CeGaT Center For Human Genetics Tuebingen Variant Classification Criteria Version 2. Collection method: clinical testing. Allele origin: germline. Affected: yes. Observed: 7 variant alleles.
Comment: TTN: BS1, BS2

Mayo Clinic Laboratories, Mayo Clinic
Classification: Likely benign. Last evaluated: 2025-09-29. Review status: criteria provided, single submitter. Criteria: ACMG Guidelines, 2015. Collection method: clinical testing. Allele origin: germline. Observed: 3 variant alleles.
Comment: BS1, BP1

Molecular Diagnostic Laboratory for Inherited Cardiovascular Disease, Montreal Heart Institute
Classification: Likely benign. Last evaluated: 2025-04-09. Review status: criteria provided, single submitter. Criteria: ACMG Guidelines, 2015. Collection method: clinical testing. Allele origin: germline. Affected: no.

Women's Health and Genetics/Laboratory Corporation of America, LabCorp
Classification: Likely benign. Last evaluated: 2025-04-07. Review status: criteria provided, single submitter. Criteria: LabCorp Variant Classification Summary - May 2015. Collection method: clinical testing. Allele origin: germline.
Comment: Variant summary: TTN c.75467T>G (p.Val25156Gly) results in a non-conservative amino acid change in the encoded protein sequence. Three of four in-silico tools predict a damaging effect of the variant on protein function. The variant allele was found at a frequency of 0.00054 in 248406 control chromosomes. The observed variant frequency is approximately 1.37 fold of the estimated maximal expected allele frequency for a pathogenic variant in TTN causing Dilated Cardiomyopathy phenotype (0.00039). c.75467T>G has been reported in the presumed heterozygous state in the literature in individuals affected with clinical features of TTN-related conditions without strong evidence for causality (example, Burstein_2021). These report(s) do not provide unequivocal conclusions about association of the variant with TTN-related conditions. To our knowledge, no experimental evidence demonstrating an impact on protein function has been reported. The following publications have been ascertained in the context of this evaluation (PMID: 32746448, 33552729). ClinVar contains an entry for this variant (Variation ID: 47421). Based on the evidence outlined above, the variant was classified as likely benign.

Blueprint Genetics
Classification: Likely benign. Last evaluated: 2024-10-18. Review status: criteria provided, single submitter. Criteria: ACMG Guidelines, 2015. Collection method: clinical testing. Allele origin: germline.

Illumina Laboratory Services, Illumina
Classification: Benign for Myopathy, myofibrillar, 9, with early respiratory failure. Last evaluated: 2018-01-12. Review status: criteria provided, single submitter. Criteria: ICSL Variant Classification Criteria 13 December 2019. Collection method: clinical testing. Allele origin: germline.
Comment: This variant was observed in the ICSL laboratory as part of a predisposition screen in an ostensibly healthy population. It had not been previously curated by ICSL or reported in the Human Gene Mutation Database (HGMD: prior to June 1st, 2018), and was therefore a candidate for classification through an automated scoring system. Utilizing variant allele frequency, disease prevalence and penetrance estimates, and inheritance mode, an automated score was calculated to assess if this variant is too frequent to cause the disease. Based on the score and internal cut-off values, a variant classified as benign is not then subjected to further curation. The score for this variant resulted in a classification of benign for this disease.

Illumina Laboratory Services, Illumina
Classification: Benign for Tibial muscular dystrophy. Last evaluated: 2018-01-12. Review status: criteria provided, single submitter. Criteria: ICSL Variant Classification Criteria 13 December 2019. Collection method: clinical testing. Allele origin: germline.
Comment: the same text as in the submission from Illumina Laboratory Services, Illumina above.

Illumina Laboratory Services, Illumina
Classification: Uncertain significance for Dilated cardiomyopathy 1G. Last evaluated: 2018-01-12. Review status: criteria provided, single submitter. Criteria: ICSL Variant Classification Criteria 13 December 2019. Collection method: clinical testing. Allele origin: germline.

Illumina Laboratory Services, Illumina
Classification: Uncertain significance for Early-onset myopathy with fatal cardiomyopathy. Last evaluated: 2018-01-12. Review status: criteria provided, single submitter. Criteria: ICSL Variant Classification Criteria 13 December 2019. Collection method: clinical testing. Allele origin: germline.

Illumina Laboratory Services, Illumina
Classification: Uncertain significance for Autosomal recessive limb-girdle muscular dystrophy type 2J. Last evaluated: 2018-01-12. Review status: criteria provided, single submitter. Criteria: ICSL Variant Classification Criteria 13 December 2019. Collection method: clinical testing. Allele origin: germline.

CHEO Genetics Diagnostic Laboratory, Children's Hospital of Eastern Ontario
Classification: Benign for Cardiomyopathy. Last evaluated: 2017-11-02. Review status: criteria provided, single submitter. Criteria: ACMG Guidelines, 2015. Collection method: clinical testing. Allele origin: germline.

Labcorp Genetics (formerly Invitae), Labcorp
Classification: Uncertain significance for Dilated cardiomyopathy 1G; Autosomal recessive limb-girdle muscular dystrophy type 2J. Last evaluated: 2017-09-22. Review status: criteria provided, single submitter. Criteria: Invitae Variant Classification Sherloc (09022015). Collection method: clinical testing. Allele origin: germline.

Laboratory for Molecular Medicine, Mass General Brigham Personalized Medicine
Classification: Uncertain significance. Last evaluated: 2016-05-06. Review status: criteria provided, single submitter. Criteria: LMM Criteria. Collection method: clinical testing. Allele origin: germline. Observed: 6 variant alleles.
Comment: The p.Val25156Gly variant in TTN has been identified by our laboratory in 4 indi viduals with different cardiomyopathies (2 HCM, 1 DCM, 1 LVNC); one of the indiv iduals with HCM also carried a pathogenic HCM variant. It has been identified in 49/66624 European chromosomes by the Exome Aggregation Consortium (ExAC; dbSNP rs201896662). Computational prediction tools and conservation analysis suggest that this variant may impact the protein, though this information is not predictive enough to determine pathogenicity. In summary , the clinical significance of the p.Val25156Gly variant is uncertain.

Biesecker Lab/Clinical Genomics Section, National Institutes of Health
Classification: Likely benign. Last evaluated: 2013-06-24. Review status: criteria provided, single submitter. Criteria: Ng et al. (Circ Cardiovasc Genet. 2013). Collection method: research. Allele origin: unknown. Observed: 2 variant alleles. Study: ClinSeq.
Comment: The study set was not selected for affection status in relation to any cancer. Pathogenicity categories were based on literature curation. See Pubmed ID:23861362 for details.

Medical sequencing

Ambry Genetics
Classification: Uncertain significance for Cardiovascular phenotype. Last evaluated: 2012-11-26. Review status: criteria provided, single submitter. Criteria: Ambry Autosomal Dominant and X-Linked criteria (10/2015). Collection method: clinical testing. Allele origin: germline. Observed: 1 variant allele.
Comment: There is insufficient or conflicting evidence for classification of this alteration.

GeneDx
No classification provided. Last evaluated: 2014-03-06. Review status: no classification provided. Criteria: GeneDx Variant Classification (06012015). Collection method: clinical testing. Allele origin: germline. Affected: yes. Not counted in ClinVar's aggregate classification.
Comment: Missense variants in the TTN gene are considered 'unclassified' if they are not previously reported in the literature and do not have >1% frequency in the population to be considered a polymorphism. Research indicates that truncating mutations in the TTN gene are expected to account for approximately 25% of familial and 18% of sporadic idiopathic DCM; however, truncating variants in the TTN gene have been reported in approximately 3% of reported control alleles. There has been little investigation into non-truncating variants. (Herman D et al. Truncations of titin causing dilated cardiomyopathy. N Eng J Med 366:619-628, 2012) The variant is found in CARDIOMYOPATHY panel(s).

Literature cited by the submitters: PubMed 32746448 (cited by Mayo Clinic Laboratories, Mayo Clinic and Women's Health and Genetics/Laboratory Corporation of America, LabCorp).

NM_001267550.2(TTN):c.83171T>G (p.Val27724Gly)

Genes: TTN (titin; minus strand), TTN-AS1 (TTN antisense RNA 1; plus strand). Cytogenetic location: 2q31.2.
Variant type: single nucleotide variant.
Coding change: c.83171T>G on transcript NM_001267550.2 (MANE Select); coding-DNA position 83171, T replaced by G.
Protein change: p.Val27724Gly; replaces valine 27724 with glycine.
Molecular consequence: missense variant.
Genome position (GRCh38, 1-based): chr2:178,562,961, A>C on the plus strand (T>G on the coding strand, the complement: TTN is on the minus strand). VCF-style: chr2-178562961-A-C. GRCh37 (hg19) VCF-style: chr2-179427688-A-C.
Other names: p.V26083G:GTG>GGG; p.Val26083Gly; c.78248T>G, p.Val26083Gly (NM_001256850.1); c.75467T>G, p.Val25156Gly (NM_133378.4); c.55976T>G, p.Val18659Gly (NM_003319.4); c.56351T>G, p.Val18784Gly (NM_133432.3); c.56552T>G, p.Val18851Gly (NM_133437.4); short protein forms V27724G, V25156G, V26083G, V18784G, V18851G, V18659G.
Identifiers: ClinVar variation 47421 (VCV000047421.60), dbSNP rs201896662, ClinGen allele CA140941.
Genomic context (GRCh38, chr2:178,562,961, plus strand): 5'-TACCGACCACTGTCAAATCTGGTAACATTATCAATCACCAACATTGTAAATGAGCTGGTC[A>C]CCTCTATCTGAGCCCTGTCAGTGAGAATGCCTTCTGCCTTTTCCCATTTAACTTCGGGTT-3'
Protein context (NP_001254479.2, residues 27714-27734): GILTDRAQIE[Val27724Gly]TSSFTMLVID